The following is an entry in ClinVar:

ClinVar aggregate classification (germline): Conflicting classifications of pathogenicity. Review status: criteria provided, conflicting classifications (1 of 4 stars). 6 submissions from 6 submitters: Uncertain significance (1); Benign (3); Likely benign (2). Last evaluated 2026-07-01.

Conditions:
Kabuki syndrome. Also called: NIIKAWA-KUROKI SYNDROME; Kabuki make-up syndrome. Identifiers: Orphanet 2322, MedGen C0796004, MONDO:0016512.

Submissions (6):

CeGaT Center for Human Genetics Tuebingen
Classification: Likely benign. Last evaluated: 2026-07-01. Review status: criteria provided, single submitter. Criteria: CeGaT Center For Human Genetics Tuebingen Variant Classification Criteria Version 2. Collection method: clinical testing. Allele origin: germline. Affected: yes. Observed: 2 variant alleles.
Comment: KMT2D: PM4, BS1

Labcorp Genetics (formerly Invitae), Labcorp
Classification: Benign for Kabuki syndrome. Last evaluated: 2026-01-27. Review status: criteria provided, single submitter. Criteria: Invitae Variant Classification Sherloc (09022015). Collection method: clinical testing. Allele origin: germline.

Blueprint Genetics
Classification: Likely benign. Last evaluated: 2024-09-23. Review status: criteria provided, single submitter. Criteria: ACMG Guidelines, 2015. Collection method: clinical testing. Allele origin: germline.

GeneDx
Classification: Benign. Last evaluated: 2020-09-15. Review status: criteria provided, single submitter. Criteria: GeneDx Variant Classification Process June 2021. Collection method: clinical testing. Allele origin: germline. Affected: yes.
Comment: This variant is associated with the following publications: (PMID: 30107592)

Eurofins Ntd Llc (ga)
Classification: Benign. Last evaluated: 2018-05-31. Review status: criteria provided, single submitter. Criteria: EGL ClinVar v180209 classification definitions. Collection method: clinical testing. Allele origin: germline. Observed: 4 variant alleles, 4 heterozygotes.

Genetic Services Laboratory, University of Chicago
Classification: Uncertain significance. Last evaluated: 2013-10-10. Review status: criteria provided, single submitter. Criteria: ACMG Guidelines, 2007. Collection method: clinical testing. Allele origin: germline.

NM_003482.4(KMT2D):c.2283_2309del (p.Ala765_Gln773del)

Gene: KMT2D (lysine methyltransferase 2D; minus strand). Cytogenetic location: 12q13.12.
Variant type: Deletion.
Coding change: c.2283_2309del on transcript NM_003482.4 (MANE Select); coding-DNA positions 2283 to 2309, 27 bases deleted (ATCTCCGCAGGCTGAGGAGCCACACCT).
Protein change: p.Ala765_Gln773del.
Molecular consequence: inframe deletion.
Genome position (GRCh38, 1-based): chr12:49,051,374-49,051,400, AGGTGTGGCTCCTCAGCCTGCGGAGAT deleted on the plus strand (ATCTCCGCAGGCTGAGGAGCCACACCT on the coding strand, the reverse complement: KMT2D is on the minus strand); deleting any 27 consecutive bases within chr12:49,051,374-49,051,416 gives the same sequence; the c. name uses the placement nearest the transcript's 3' end. VCF-style (leftmost placement, unchanged base first): chr12-49051373-CAGGTGTGGCTCCTCAGCCTGCGGAGAT-C. GRCh37 (hg19) VCF-style: chr12-49445156-CAGGTGTGGCTCCTCAGCCTGCGGAGAT-C.
Other names: c.2283_2309delATCTCCGCAGGCTGAGGAGCCACACCT (NM_003482.3).
Identifiers: ClinVar variation 193658 (VCV000193658.28), dbSNP rs375538882, ClinGen allele CA200712.